The following is an entry in ClinVar:

ClinVar aggregate classification (germline): Benign/Likely benign. Review status: criteria provided, multiple submitters, no conflicts (2 of 4 stars). 2 submissions from 2 submitters: Benign (1); Likely benign (1). Last evaluated 2025-09-25.

Conditions:
Hereditary cancer-predisposing syndrome. Also called: Tumor predisposition; Neoplastic Syndromes, Hereditary; Hereditary Cancer Syndrome; Hereditary neoplastic syndrome. Identifiers: Orphanet 140162, MedGen C0027672, MeSH D009386, MONDO:0015356.
Peutz-Jeghers syndrome (PJS). Also called: POLYPOSIS, HAMARTOMATOUS INTESTINAL; POLYPS-AND-SPOTS SYNDROME; Peutz-Jeghers polyposis; Periorificial lentiginosis syndrome. Identifiers: Orphanet 2869, MedGen C0031269, MeSH D010580, MONDO:0008280, OMIM 175200.

Submissions (2):

Ambry Genetics
Classification: Likely benign for Hereditary cancer-predisposing syndrome. Last evaluated: 2025-09-25. Review status: criteria provided, single submitter. Criteria: Ambry Variant Classification Scheme 2023. Collection method: clinical testing. Allele origin: germline.

Myriad Genetics, Inc.
Classification: Benign for Peutz-Jeghers syndrome. Last evaluated: 2025-03-24. Review status: criteria provided, single submitter. Criteria: Myriad Autosomal Dominant, Autosomal Recessive and X-Linked Classification Criteria (2023). Collection method: clinical testing. Allele origin: unknown.
Comment: This variant is considered benign. This variant is a silent/synonymous amino acid change and it is not expected to impact splicing.

NM_000455.5(STK11):c.84C>A (p.Arg28=)

Gene: STK11 (serine/threonine kinase 11; plus strand). Cytogenetic location: 19p13.3.
Variant type: single nucleotide variant.
Coding change: c.84C>A on transcript NM_000455.5 (MANE Select); coding-DNA position 84, C replaced by A.
Protein change: p.Arg28=; no amino-acid change (arginine 28 retained).
Molecular consequence: synonymous variant. On other transcripts: non-coding transcript variant (1).
Genome position (GRCh38, 1-based): chr19:1,206,997, C>A. VCF-style: chr19-1206997-C-A. GRCh37 (hg19) VCF-style: chr19-1206996-C-A.
Other names: c.84C>A, p.Arg28= (NM_001407255.1).
Identifiers: ClinVar variation 3904085 (VCV003904085.2).